The following is an entry in ClinVar:

NM_006005.3(WFS1):c.683G>A (p.Arg228His)

Gene: WFS1 (wolframin ER transmembrane glycoprotein; plus strand). Cytogenetic location: 4p16.1.
Variant type: single nucleotide variant.
Coding change: c.683G>A on transcript NM_006005.3 (MANE Select); coding-DNA position 683, G replaced by A.
Protein change: p.Arg228His; replaces arginine 228 with histidine.
Molecular consequence: missense variant.
Genome position (GRCh38, 1-based): chr4:6,291,968, G>A. VCF-style: chr4-6291968-G-A. GRCh37 (hg19) VCF-style: chr4-6293695-G-A.
Other names: p.R228H:CGC>CAC; R228Q; c.683G>A, p.Arg228His (NM_001145853.1); short protein forms R228H.
Identifiers: ClinVar variation 198190 (VCV000198190.78), dbSNP rs150771247, ClinGen allele CA246711.
Genomic context (GRCh38, chr4:6,291,968, plus strand): 5'-CCCCTGCAGATGGAGGGGCGCAGCCAGGCCCCGTGCCCAAGTCCCTGCAGAAGCAGAGGC[G>A]CATGCTGGAGCGCCTGGTCAGCAGCGAGTGTGAGTGCAGCCCCTGCCCCGTCTCACCCAT-3'
Protein context (NP_005996.2, residues 218-238): PVPKSLQKQR[Arg228His]MLERLVSSES

ClinVar aggregate classification (germline): Conflicting classifications of pathogenicity. Review status: criteria provided, conflicting classifications (1 of 4 stars). 19 submissions from 18 submitters: Uncertain significance (9); Benign (1); Likely benign (4). 5 of the submissions do not count toward it. Last evaluated 2026-01-26.

Conditions:
WFS1-related disorder. Identifiers: MedGen CN379391, MONDO:0700293.
WFS1-Related Spectrum Disorders.
Cataract 41 (CTRCT41). Also called: CATARACT 41, CONGENITAL NUCLEAR TYPE. Identifiers: Orphanet 91492, Orphanet 98991, Orphanet 98992, Orphanet 98995, MedGen C3805412, MONDO:0007287, OMIM 116400.
Autosomal dominant nonsyndromic hearing loss 6 (LFSNHL). Also called: DEAFNESS, AUTOSOMAL DOMINANT 6; DEAFNESS, AUTOSOMAL DOMINANT 14; DEAFNESS, AUTOSOMAL DOMINANT 38; Autosomal dominant nonsyndromic deafness 6. Identifiers: Orphanet 90635, MedGen C1833021, MONDO:0010963, OMIM 600965.
Type 2 diabetes mellitus. Also called: Type II diabetes mellitus. Identifiers: MedGen C0011860, MeSH D003924, MONDO:0005148, OMIM 125853, HP:0005978.
Wolfram-like syndrome. Also called: HEARING LOSS, PROGRESSIVE, WITH OPTIC ATROPHY AND/OR IMPAIRED GLUCOSE REGULATION. Identifiers: Orphanet 411590, MedGen C3280358, MONDO:0013673, OMIM 614296.
Wolfram syndrome 1 (WFS1). Identifiers: Orphanet 3463, MedGen C4551693, MONDO:0009101, OMIM 222300.
Retinal dystrophy. Also called: Inherited retinal dystrophy. Identifiers: Orphanet 71862, MedGen C0854723, MeSH D058499, MONDO:0019118, HP:0000556.

Allele frequency attached by ClinVar (database versions not stated): 1000 Genomes Project 30x 0.00031; 1000 Genomes Project 0.00040; gnomAD 0.00086 and 0.00090; TOPMed 0.00086; ExAC 0.00093; ESP Exome Variant Server 0.00108.
gnomAD v4.1: 2,109 of 1,610,506 alleles (0.13%); highest among the groups gnomAD compares: Non-Finnish European, 0.17%; 5 homozygotes.

Submissions (19):

Labcorp Genetics (formerly Invitae), Labcorp
Classification: Likely benign. Last evaluated: 2026-01-26. Review status: criteria provided, single submitter. Criteria: Invitae Variant Classification Sherloc (09022015). Collection method: clinical testing. Allele origin: germline.

ARUP Laboratories, Molecular Genetics and Genomics, ARUP Laboratories
Classification: Likely benign. Last evaluated: 2025-06-30. Review status: criteria provided, single submitter. Criteria: ARUP Molecular Germline Variant Investigation Process 2024. Collection method: clinical testing. Allele origin: germline.

Blueprint Genetics
Classification: Uncertain significance. Last evaluated: 2024-11-19. Review status: criteria provided, single submitter. Criteria: ACMG Guidelines, 2015. Collection method: clinical testing. Allele origin: germline.

Mayo Clinic Laboratories, Mayo Clinic
Classification: Benign. Last evaluated: 2024-02-28. Review status: criteria provided, single submitter. Criteria: ACMG Guidelines, 2015. Collection method: clinical testing. Allele origin: germline. Observed: 2 variant alleles.
Comment: BS1, BS2

CeGaT Center for Human Genetics Tuebingen
Classification: Uncertain significance. Last evaluated: 2024-02-01. Review status: criteria provided, single submitter. Criteria: CeGaT Center For Human Genetics Tuebingen Variant Classification Criteria Version 2. Collection method: clinical testing. Allele origin: germline. Affected: yes. Observed: 2 variant alleles.
Comment: WFS1: PM2

Women's Health and Genetics/Laboratory Corporation of America, LabCorp
Classification: Uncertain significance. Last evaluated: 2024-01-23. Review status: criteria provided, single submitter. Criteria: LabCorp Variant Classification Summary - May 2015. Collection method: clinical testing. Allele origin: germline.
Comment: Variant summary: WFS1 c.683G>A (p.Arg228His) results in a non-conservative amino acid change located in the Wolframin, EF-hand domain (IPR045460) of the encoded protein sequence. Four of four in-silico tools predict a damaging effect of the variant on protein function. The variant allele was found at a frequency of 0.0013 in 1610506 control chromosomes, predominantly at a frequency of 0.0017 within the Non-Finnish European subpopulation in the gnomAD database, including 4 homozygotes (gnomAD v4). c.683G>A has been reported as a single heterozygous variant in one individual with early onset dementia, optic atrophy, and sensorineural hearing loss, and was at a compound heterozygous along with a second pathogenic variant in an individual with recessive WFS1-related disorders (example, Astuti_2017, Fogel_2014). These report(s) do not provide unequivocal conclusions about association of the variant with Wolfram Syndrome 1. To our knowledge, no experimental evidence demonstrating an impact on protein function has been reported. The following publications have been ascertained in the context of this evaluation (PMID: 28432734, 25133958). ClinVar contains an entry for this variant (Variation ID: 198190). Based on the evidence outlined above, the variant was classified as uncertain significance.

Institute of Human Genetics, Univ. Regensburg, Univ. Regensburg
Classification: Uncertain significance for Retinal dystrophy. Last evaluated: 2023-01-01. Review status: criteria provided, single submitter. Criteria: ACMG Guidelines, 2015. Collection method: clinical testing. Allele origin: germline. Affected: yes.

Department of Pathology and Laboratory Medicine, Sinai Health System
Classification: Uncertain significance for Cataract 41; Type 2 diabetes mellitus; Wolfram syndrome 1; Autosomal dominant nonsyndromic hearing loss 6; Wolfram-like syndrome. Last evaluated: 2022-07-18. Review status: criteria provided, single submitter. Criteria: ACMG Guidelines, 2015. Collection method: research. Allele origin: germline.

GeneDx
Classification: Likely benign. Last evaluated: 2021-11-08. Review status: criteria provided, single submitter. Criteria: GeneDx Variant Classification Process June 2021. Collection method: clinical testing. Allele origin: germline. Affected: yes.
Comment: This variant is associated with the following publications: (PMID: 25133958, 33112832, 18544103)

Eurofins Ntd Llc (ga)
Classification: Uncertain significance. Last evaluated: 2018-02-20. Review status: criteria provided, single submitter. Criteria: EGL ClinVar v180209 classification definitions. Collection method: clinical testing. Allele origin: germline. Observed: 2 variant alleles, 2 heterozygotes.

Illumina Laboratory Services, Illumina
Classification: Uncertain significance for WFS1-Related Spectrum Disorders. Last evaluated: 2018-01-13. Review status: criteria provided, single submitter. Criteria: ICSL Variant Classification Criteria 13 December 2019. Collection method: clinical testing. Allele origin: germline.

Illumina Laboratory Services, Illumina
Classification: Likely benign for Autosomal dominant nonsyndromic hearing loss 6. Last evaluated: 2018-01-13. Review status: criteria provided, single submitter. Criteria: ICSL Variant Classification Criteria 13 December 2019. Collection method: clinical testing. Allele origin: germline.
Comment: This variant was observed in the ICSL laboratory as part of a predisposition screen in an ostensibly healthy population. It had not been previously curated by ICSL or reported in the Human Gene Mutation Database (HGMD: prior to June 1st, 2018), and was therefore a candidate for classification through an automated scoring system. Utilizing variant allele frequency, disease prevalence and penetrance estimates, and inheritance mode, an automated score was calculated to assess if this variant is too frequent to cause the disease. Based on the score and internal cut-off values, a variant classified as likely benign is not then subjected to further curation. The score for this variant resulted in a classification of likely benign for this disease.

Laboratory for Molecular Medicine, Mass General Brigham Personalized Medicine
Classification: Uncertain significance. Last evaluated: 2017-07-06. Review status: criteria provided, single submitter. Criteria: LMM Criteria. Collection method: clinical testing. Allele origin: germline. Inheritance: Autosomal dominant inheritance. Observed: 2 variant alleles.
Comment: Variant classified as Uncertain Significance - Favor Benign. Neither individual carried a second, clinically significant variant in the WF S1 gene (while the proband reported by Fogel et al had two additional WFS1 varia nts, our laboratory classifies these variants as benign based on high frequency in the African American population). The p.Arg228His variant has also been ident ified in 0.15% (181/122852) of European chromosomes, including 1 homozygote, by the Genome Aggregation Database (gnomAD; dbSNP rs150771247). Computational prediction tools and conservation analyses do not p rovide strong support for or against an impact to the protein. In summary, while the clinical significance of the p.Arg228His variant is uncertain, its frequenc y in the general population and identification in the homozygous state in 1 indi vidual from the general population suggests that it is more likely to be benign.

Fulgent Genetics
Classification: Uncertain significance for Cataract 41; Type 2 diabetes mellitus; Wolfram syndrome 1; Autosomal dominant nonsyndromic hearing loss 6; Wolfram-like syndrome. Last evaluated: 2017-05-23. Review status: criteria provided, single submitter. Criteria: ACMG Guidelines, 2015. Collection method: clinical testing. Allele origin: unknown.

PreventionGenetics, part of Exact Sciences
Classification: Likely benign for WFS1-related condition. Last evaluated: 2023-05-05. Review status: no assertion criteria provided. Collection method: clinical testing. Allele origin: germline. Not counted in ClinVar's aggregate classification.
Comment: This variant is classified as likely benign based on ACMG/AMP sequence variant interpretation guidelines (Richards et al. 2015 PMID: 25741868, with internal and published modifications).

Genetic Services Laboratory, University of Chicago
Classification: Uncertain significance. Last evaluated: 2022-09-07. Review status: no assertion criteria provided. Collection method: clinical testing. Allele origin: germline. Affected: no. Not counted in ClinVar's aggregate classification.
Comment: DNA sequence analysis of the WFS1 gene demonstrated a sequence change, c.683G>A, in exon 6 that results in an amino acid change, p.Arg228His. This sequence change has been described in the gnomAD database with a frequency of 0.15% in the European subpopulation, including one homozygous individual (dbSNP rs150771247). The p.Arg228His change affects a moderately conserved amino acid residue located in a domain of the WFS1 protein that is not known to be functional. In-silico pathogenicity prediction tools (SIFT, PolyPhen2, Align GVGD, REVEL) provide contradictory results for the p.Arg228His substitution. The p.Arg228His change as been reported in one individual with dementia, optic atrophy and sensorineural hearing loss. However, a second clearly pathogenic variant in the WFS1 gene was not identified (PMID: 25133958). Due to insufficient evidences and the lack of functional studies, the clinical significance of the p.Arg228His change remains unknown at this time. Biallelic pathogenic variants in WFS1 have been associated with autosomal recessive Wolfram syndrome, which is characterized by diabetes insipidus, diabetes mellitus, optic atrophy and deafness (OMIM# 222300). Heterozygous pathogenic variants in WFS1 have also been associated with autosomal dominant Wolfram-like syndrome (OMIM# 614296) and sensorineural hearing loss (OMIM# 600965).

OMIM
Classification: Pathogenic for WOLFRAM-LIKE SYNDROME, AUTOSOMAL DOMINANT. Last evaluated: 2008-06-01. Review status: no assertion criteria provided. Collection method: literature only. Allele origin: germline. Not counted in ClinVar's aggregate classification.

Clinical Genetics DNA and cytogenetics Diagnostics Lab, Erasmus MC, Erasmus Medical Center
Classification: Likely benign. Review status: no assertion criteria provided. Collection method: clinical testing. Allele origin: germline. Affected: yes. Study: VKGL Data-share Consensus. Not counted in ClinVar's aggregate classification.

Laboratory of Diagnostic Genome Analysis, Leiden University Medical Center (LUMC)
Classification: Likely benign. Review status: no assertion criteria provided. Collection method: clinical testing. Allele origin: germline. Affected: yes. Study: VKGL Data-share Consensus. Not counted in ClinVar's aggregate classification.

Literature cited by the submitters: PubMed 18544103 (cited by Mayo Clinic Laboratories, Mayo Clinic and OMIM); PubMed 25133958 (cited by 4 submitters); PubMed 26435059 (cited by Mayo Clinic Laboratories, Mayo Clinic); PubMed 33112832 (cited by Mayo Clinic Laboratories, Mayo Clinic); PubMed 28432734 (cited by Women's Health and Genetics/Laboratory Corporation of America, LabCorp).